The following is an entry in ClinVar:

ClinVar aggregate classification (germline): Uncertain significance. Review status: criteria provided, multiple submitters, no conflicts (2 of 4 stars). 3 submissions from 3 submitters: Uncertain significance (3). Last evaluated 2022-08-13.

Conditions:
Primary ciliary dyskinesia. Also called: Ciliary dyskinesia. Identifiers: Orphanet 244, MedGen C0008780, MONDO:0016575, HP:0012265.
Inborn genetic diseases. Identifiers: MedGen C0950123, MeSH D030342.

Allele frequency attached by ClinVar (database versions not stated): gnomAD 0.00006 and 0.00007; TOPMed 0.00006; ExAC 0.00007; 1000 Genomes Project 30x 0.00016; 1000 Genomes Project 0.00020; ESP Exome Variant Server 0.00023.

Submissions (3):

Labcorp Genetics (formerly Invitae), Labcorp
Classification: Uncertain significance for Primary ciliary dyskinesia. Last evaluated: 2022-08-13. Review status: criteria provided, single submitter. Criteria: Invitae Variant Classification Sherloc (09022015). Collection method: clinical testing. Allele origin: germline.
Comment: This sequence change replaces arginine, which is basic and polar, with cysteine, which is neutral and slightly polar, at codon 375 of the DRC1 protein (p.Arg375Cys). This variant is present in population databases (rs145305515, gnomAD 0.01%). This variant has not been reported in the literature in individuals affected with DRC1-related conditions. ClinVar contains an entry for this variant (Variation ID: 998516). Algorithms developed to predict the effect of missense changes on protein structure and function (SIFT, PolyPhen-2, Align-GVGD) all suggest that this variant is likely to be disruptive. Algorithms developed to predict the effect of sequence changes on RNA splicing suggest that this variant may disrupt the consensus splice site. In summary, the available evidence is currently insufficient to determine the role of this variant in disease. Therefore, it has been classified as a Variant of Uncertain Significance.

Blueprint Genetics
Classification: Uncertain significance. Last evaluated: 2021-12-31. Review status: criteria provided, single submitter. Criteria: ACMG Guidelines, 2015. Collection method: clinical testing. Allele origin: germline.

Ambry Genetics
Classification: Uncertain significance for Inborn genetic diseases. Last evaluated: 2021-09-16. Review status: criteria provided, single submitter. Criteria: Ambry Variant Classification Scheme 2023. Collection method: clinical testing. Allele origin: germline.

NM_145038.5(DRC1):c.1123C>T (p.Arg375Cys)

Gene: DRC1 (dynein regulatory complex subunit 1; plus strand). Cytogenetic location: 2p23.3.
Variant type: single nucleotide variant.
Coding change: c.1123C>T on transcript NM_145038.5 (MANE Select); coding-DNA position 1123, C replaced by T.
Protein change: p.Arg375Cys; replaces arginine 375 with cysteine.
Molecular consequence: missense variant.
Genome position (GRCh38, 1-based): chr2:26,444,316, C>T. VCF-style: chr2-26444316-C-T. GRCh37 (hg19) VCF-style: chr2-26667184-C-T.
Other names: c.1123C>T (NM_145038.2); short protein forms R375C.
Identifiers: ClinVar variation 998516 (VCV000998516.8), dbSNP rs145305515, ClinGen allele CA1562142.